The following is an entry in ClinVar:

ClinVar aggregate classification (germline): Pathogenic/Likely pathogenic. Review status: criteria provided, multiple submitters, no conflicts (2 of 4 stars). 8 submissions from 8 submitters: Pathogenic (4); Likely pathogenic (4). Last evaluated 2026-01-28.

Conditions:
LZTR1-related schwannomatosis. Also called: Schwannomatosis 2; Schwannomatosis-2, susceptibility to. Identifiers: Orphanet 93921, MedGen C3810283, MONDO:0014299, OMIM 615670.
Noonan syndrome 2 (NS2). Identifiers: Orphanet 648, MedGen C1854469, MONDO:0011531, OMIM 605275.
Noonan syndrome 10 (NS10). Identifiers: Orphanet 648, MedGen C4225280, MONDO:0014693, OMIM 616564.
Hereditary cancer-predisposing syndrome. Also called: Neoplastic Syndromes, Hereditary; Hereditary Cancer Syndrome; Hereditary neoplastic syndrome; Tumor predisposition. Identifiers: Orphanet 140162, MedGen C0027672, MeSH D009386, MONDO:0015356.
Cardiovascular phenotype. Identifiers: MedGen CN230736.
LZTR1-related disorder. Also called: LZTR1-related disorders; LZTR1-related condition.
Schwannomatosis. Identifiers: Orphanet 93921, MedGen C1335929, MeSH C536641, MONDO:0008075.

Allele frequency attached by ClinVar (database versions not stated): gnomAD exomes below 0.00001 and 0.00002; gnomAD 0.00001; TOPMed 0.00001.

Submissions (8):

Labcorp Genetics (formerly Invitae), Labcorp
Classification: Pathogenic. Last evaluated: 2026-01-28. Review status: criteria provided, single submitter. Criteria: Invitae Variant Classification Sherloc (09022015). Collection method: clinical testing. Allele origin: germline.
Comment: This sequence change creates a premature translational stop signal (p.Asn578Serfs*90) in the LZTR1 gene. It is expected to result in an absent or disrupted protein product. Loss-of-function variants in LZTR1 are known to be pathogenic (PMID: 24362817, 25335493, 25480913, 25795793, 29469822, 30368668, 30442762, 30442766, 30481304, 30859559). This variant is present in population databases (no rsID available, gnomAD 0.002%). This variant has not been reported in the literature in individuals affected with LZTR1-related conditions. ClinVar contains an entry for this variant (Variation ID: 450845). For these reasons, this variant has been classified as Pathogenic.

GeneDx
Classification: Likely pathogenic. Last evaluated: 2025-09-17. Review status: criteria provided, single submitter. Criteria: GeneDx Variant Classification Process June 2021. Collection method: clinical testing. Allele origin: germline. Affected: yes.
Comment: Frameshift variant predicted to result in protein truncation or nonsense mediated decay in a gene for which loss of function is a known mechanism of disease; Not observed at significant frequency in large population cohorts (gnomAD); Observed in a cohort of individuals with renal cancer (PMID: 38496821); This variant is associated with the following publications: (PMID: 38496821)

Women's Health and Genetics/Laboratory Corporation of America, LabCorp
Classification: Pathogenic for Schwannomatosis. Last evaluated: 2024-08-26. Review status: criteria provided, single submitter. Criteria: LabCorp Variant Classification Summary - May 2015. Collection method: clinical testing. Allele origin: germline.
Comment: Variant summary: LZTR1 c.1733_1734delAC (p.Asn578SerfsX90) results in a premature termination codon, predicted to cause a truncation of the encoded protein or absence of the protein due to nonsense mediated decay, which are commonly known mechanisms for disease. The variant allele was found at a frequency of 4e-06 in 250404 control chromosomes. To our knowledge, no occurrence of c.1733_1734delAC in individuals affected with LZTR1-related conditions and no experimental evidence demonstrating its impact on protein function have been reported. ClinVar contains an entry for this variant (Variation ID: 450845). Germline loss of function mutations in LZTR1 have been reported to predispose to an inherited disorder of multiple schwannomas (Piotrowski_2014) and recessive Noonan syndrome (Johnston_2018). Based on the evidence outlined above, the variant was classified as pathogenic for the risk of multiple schwannomas and recessive Noonan syndrome.

Ambry Genetics
Classification: Pathogenic for Cardiovascular phenotype; Hereditary cancer-predisposing syndrome. Last evaluated: 2024-01-22. Review status: criteria provided, single submitter. Criteria: Ambry Variant Classification Scheme 2023. Collection method: clinical testing. Allele origin: germline.
Comment: The c.1733_1734delAC pathogenic mutation, located in coding exon 15 of the LZTR1 gene, results from a deletion of two nucleotides at nucleotide positions 1733 to 1734, causing a translational frameshift with a predicted alternate stop codon (p.N578Sfs*90). Loss-of-function variants in LZTR1 are related to an increased risk for schwannomas and autosomal recessive Noonan syndrome; however, such associations with autosomal dominant Noonan syndrome have not been observed (Piotrowski A et al. Nat Genet. 2014 Feb;46:182-7; Yamamoto GL et al. J Med Genet. 2015 Jun;52:413-21; Johnston JJ et al. Genet Med. 2018 10;20:1175-1185). This alteration is expected to result in loss of function by premature protein truncation or nonsense-mediated mRNA decay. Based on the supporting evidence, this variant is pathogenic for an increased risk of LZTR1-related schwannomatosis (SWN) and would be expected to cause autosomal recessive Noonan syndrome when present along with a second pathogenic or likely pathogenic variant on the other allele; however, the association of this alteration with autosomal dominant Noonan syndrome is unlikely.

Pittsburgh Clinical Genomics Laboratory, University of Pittsburgh Medical Center
Classification: Likely pathogenic for Noonan syndrome 2. Last evaluated: 2023-12-27. Review status: criteria provided, single submitter. Criteria: ACMG Guidelines, 2015. Collection method: clinical testing. Allele origin: germline. Inheritance: Autosomal unknown. Affected: yes.
Comment: This sequence variant is a deletion of two nucleotides at positions 1733 and 1734 of the LZTR1 gene that results in an early termination signal 90 codons downstream of the frameshift at Asn578. As it occurs in exon 15 of 21, this variant is predicted to generate a non-functional allele through either the expression of a truncated protein or a loss of LZTR1 expression due to nonsense-mediated decay. This is a previously reported variant (ClinVar 450845) that has not been observed in the literature in individuals affected by LZTR1-related disease, to our knowledge. This variant is present in 24/1612896 alleles (0.001488%) in the gnomAD v4.0.0 database. Based upon the evidence, we consider this variant to be likely pathogenic. ACMG Criteria: PM2, PVS1

Department of Pathology and Laboratory Medicine, Sinai Health System
Classification: Pathogenic for Noonan syndrome 2; LZTR1-related schwannomatosis; Noonan syndrome 10. Last evaluated: 2023-09-21. Review status: criteria provided, single submitter. Criteria: ACMG Guidelines, 2015. Collection method: clinical testing. Allele origin: germline.

Blueprint Genetics
Classification: Likely pathogenic for LZTR1-related disorders. Last evaluated: 2022-07-17. Review status: criteria provided, single submitter. Criteria: ACMG Guidelines, 2015. Collection method: clinical testing. Allele origin: germline. Affected: yes. Observed: 1 variant allele.

Genetics and Molecular Pathology, SA Pathology
Classification: Likely pathogenic for LZTR1-related schwannomatosis. Last evaluated: 2021-09-30. Review status: criteria provided, single submitter. Criteria: ACMG Guidelines, 2015. Collection method: clinical testing. Allele origin: germline. Inheritance: Autosomal dominant inheritance. Affected: yes.

Literature cited by the submitters: PubMed 24362817 (cited by Labcorp Genetics (formerly Invitae), Labcorp); PubMed 25335493 (cited by Labcorp Genetics (formerly Invitae), Labcorp); PubMed 25480913 (cited by Labcorp Genetics (formerly Invitae), Labcorp); PubMed 25795793 (cited by Labcorp Genetics (formerly Invitae), Labcorp); PubMed 29469822 (cited by Labcorp Genetics (formerly Invitae), Labcorp); PubMed 30368668 (cited by Labcorp Genetics (formerly Invitae), Labcorp); PubMed 30442762 (cited by Labcorp Genetics (formerly Invitae), Labcorp); PubMed 30442766 (cited by Labcorp Genetics (formerly Invitae), Labcorp); PubMed 30481304 (cited by Labcorp Genetics (formerly Invitae), Labcorp); PubMed 30859559 (cited by Labcorp Genetics (formerly Invitae), Labcorp).

NM_006767.4(LZTR1):c.1733_1734del (p.Asn578fs)

Gene: LZTR1 (leucine zipper like post translational regulator 1; plus strand). Cytogenetic location: 22q11.21.
Variant type: Deletion.
Coding change: c.1733_1734del on transcript NM_006767.4 (MANE Select); coding-DNA positions 1733 to 1734, 2 bases deleted (AC; older notation c.1733_1734delAC).
Protein change: p.Asn578fs; shifts the reading frame from asparagine 578.
Molecular consequence: frameshift variant.
Genome position (GRCh38, 1-based): chr22:20,994,675-20,994,676, AC deleted. VCF-style (leftmost placement, unchanged base first): chr22-20994674-AAC-A. GRCh37 (hg19) VCF-style: chr22-21348963-AAC-A.
Other names: c.1733_1734delAC (NM_006767.3, NM_006767.4); c.1733_1734del (NM_006767.3); short protein forms N578fs.
Identifiers: ClinVar variation 450845 (VCV000450845.20), dbSNP rs1460026299, ClinGen allele CA638942580.